The following is an entry in ClinVar:

NM_000128.4(F11):c.1273T>A (p.Trp425Arg)

Gene: F11 (coagulation factor XI; plus strand). Cytogenetic location: 4q35.2.
Variant type: single nucleotide variant.
Coding change: c.1273T>A on transcript NM_000128.4 (MANE Select); coding-DNA position 1273, T replaced by A.
Protein change: p.Trp425Arg; replaces tryptophan 425 with arginine.
Molecular consequence: missense variant.
Genome position (GRCh38, 1-based): chr4:186,284,229, T>A. VCF-style: chr4-186284229-T-A. GRCh37 (hg19) VCF-style: chr4-187205383-T-A.
Other names: short protein forms W425R.
Identifiers: ClinVar variation 551366 (VCV000551366.3), dbSNP rs1554083512, ClinGen allele CA358942171.

ClinVar aggregate classification (germline): Likely pathogenic. Review status: criteria provided, single submitter (1 of 4 stars). 2 submissions from 2 submitters: Likely pathogenic (1). 1 of the submissions does not count toward it. Last evaluated 2025-01-10.

Conditions:
Factor XI deficiency. Identifiers: MedGen C4321502, MONDO:0020587.
Hereditary factor XI deficiency disease. Also called: Congenital factor XI deficiency; PLASMA THROMBOPLASTIN ANTECEDENT DEFICIENCY; PTA DEFICIENCY; ROSENTHAL SYNDROME. Identifiers: Orphanet 329, MedGen C0015523, MeSH D005173, MONDO:0012897, OMIM 612416.

Allele frequency attached by ClinVar (database versions not stated): gnomAD exomes 0.00001.
gnomAD v4.1: 3 of 1,614,208 alleles (0.00019%); highest among the groups gnomAD compares: Non-Finnish European, 0.00025%; no homozygotes.

Submissions (2):

North West Genomic Laboratory Hub, Manchester University NHS Foundation Trust
Classification: Likely pathogenic for Factor XI deficiency. Last evaluated: 2025-01-10. Review status: criteria provided, single submitter. Criteria: ACGS Best Practice Guidelines for Variant Classification in Rare Disease 2024. Collection method: clinical testing. Allele origin: germline. Affected: yes.
Comment: PM3_Supp PM2_Mod PP3_Supp PP4_Mod

Counsyl
Classification: Uncertain significance for Hereditary factor XI deficiency disease. Last evaluated: 2017-04-05. Review status: no assertion criteria provided. Collection method: clinical testing. Allele origin: unknown. Not counted in ClinVar's aggregate classification.

Literature cited by the submitters: PubMed 24112640 (cited by Counsyl).